The following is an entry in ClinVar:

ClinVar aggregate classification (germline): Uncertain significance (1 of 4 stars; one submission).

Allele frequency attached by ClinVar (database versions not stated): ESP Exome Variant Server 0.00008.
gnomAD v4.1: 4 of 1,613,270 alleles (0.00025%); highest among the groups gnomAD compares: East Asian, 0.0022%; no homozygotes.

Submission:

Labcorp Genetics (formerly Invitae), Labcorp
Classification: Uncertain significance. Last evaluated: 2022-08-11. Review status: criteria provided, single submitter. Criteria: Invitae Variant Classification Sherloc (09022015). Collection method: clinical testing. Allele origin: germline.
Comment: In summary, the available evidence is currently insufficient to determine the role of this variant in disease. Therefore, it has been classified as a Variant of Uncertain Significance. Advanced modeling of protein sequence and biophysical properties (such as structural, functional, and spatial information, amino acid conservation, physicochemical variation, residue mobility, and thermodynamic stability) performed at Invitae indicates that this missense variant is not expected to disrupt CPLANE1 protein function. This variant has not been reported in the literature in individuals affected with CPLANE1-related conditions. This variant is not present in population databases (gnomAD no frequency). This sequence change replaces arginine, which is basic and polar, with cysteine, which is neutral and slightly polar, at codon 1812 of the CPLANE1 protein (p.Arg1812Cys).

NM_001384732.1(CPLANE1):c.5434C>T (p.Arg1812Cys)

Gene: CPLANE1 (ciliogenesis and planar polarity effector complex subunit 1; minus strand). Cytogenetic location: 5p13.2.
Variant type: single nucleotide variant.
Coding change: c.5434C>T on transcript NM_001384732.1 (MANE Select); coding-DNA position 5434, C replaced by T.
Protein change: p.Arg1812Cys; replaces arginine 1812 with cysteine.
Molecular consequence: missense variant.
Genome position (GRCh38, 1-based): chr5:37,180,993, G>A on the plus strand (C>T on the coding strand, the complement: CPLANE1 is on the minus strand). VCF-style: chr5-37180993-G-A. GRCh37 (hg19) VCF-style: chr5-37181095-G-A.
Other names: c.5434C>T, p.Arg1812Cys (NM_023073.4); short protein forms R1812C.
Identifiers: ClinVar variation 2134673 (VCV002134673.4), dbSNP rs376821475, ClinGen allele CA117067417.